The following is an entry in ClinVar:

NM_000448.3(RAG1):c.1667T>C (p.Ile556Thr)

Gene: RAG1 (recombination activating 1; plus strand). Cytogenetic location: 11p12.
Variant type: single nucleotide variant.
Coding change: c.1667T>C on transcript NM_000448.3 (MANE Select); coding-DNA position 1667, T replaced by C.
Protein change: p.Ile556Thr; replaces isoleucine 556 with threonine.
Molecular consequence: missense variant.
Genome position (GRCh38, 1-based): chr11:36,574,971, T>C. VCF-style: chr11-36574971-T-C. GRCh37 (hg19) VCF-style: chr11-36596521-T-C.
Other names: c.1667T>C, p.Ile556Thr (NM_001377277.1, NM_001377278.1, NM_001377279.1 and 3 more transcripts); short protein forms I556T.
Identifiers: ClinVar variation 4787693 (VCV004787693.1).
Genomic context (GRCh38, chr11:36,574,971, plus strand): 5'-GCATTATTGATGGGCTGTCTGGACTATCATCCTCTGTGGATGATTACCCAGTGGACACCA[T>C]TGCAAAGAGGTTCCGCTATGATTCAGCTTTGGTGTCTGCTTTGATGGACATGGAAGAAGA-3'
Protein context (NP_000439.2, residues 546-566): SSVDDYPVDT[Ile556Thr]AKRFRYDSAL

ClinVar aggregate classification (germline): Uncertain significance (1 of 4 stars; one submission).

Conditions:
Severe combined immunodeficiency, autosomal recessive, T cell-negative, B cell-negative, NK cell-positive. Also called: SCID, T CELL-NEGATIVE, B CELL-NEGATIVE, NK CELL-POSITIVE; SCID, AR, T-cell negative, B-cell negative, NK cell-positive; Severe combined immunodeficiency due to complete RAG1/2 deficiency. Identifiers: Orphanet 331206, MedGen C1832322, MONDO:0011086, OMIM 601457.
Combined immunodeficiency with skin granulomas. Identifiers: Orphanet 157949, MedGen C2673536, MONDO:0009306, OMIM 233650.

gnomAD v4.1: 7 of 1,614,034 alleles (0.00043%); highest among the groups gnomAD compares: African/African-American, 0.0053%; no homozygotes.

Submission:

Labcorp Genetics (formerly Invitae), Labcorp
Classification: Uncertain significance for Combined immunodeficiency with skin granulomas; Severe combined immunodeficiency, autosomal recessive, T cell-negative, B cell-negative, NK cell-positive. Last evaluated: 2025-02-10. Review status: criteria provided, single submitter. Criteria: Invitae Variant Classification Sherloc (09022015). Collection method: clinical testing. Allele origin: germline.
Comment: This sequence change replaces isoleucine, which is neutral and non-polar, with threonine, which is neutral and polar, at codon 556 of the RAG1 protein (p.Ile556Thr). This variant is present in population databases (rs764059099, gnomAD 0.004%). This variant has not been reported in the literature in individuals affected with RAG1-related conditions. Invitae Evidence Modeling of protein sequence and biophysical properties (such as structural, functional, and spatial information, amino acid conservation, physicochemical variation, residue mobility, and thermodynamic stability) indicates that this missense variant is not expected to disrupt RAG1 protein function with a negative predictive value of 80%. In summary, the available evidence is currently insufficient to determine the role of this variant in disease. Therefore, it has been classified as a Variant of Uncertain Significance.